The following is an entry in ClinVar:

ClinVar aggregate classification (germline): Uncertain significance (1 of 4 stars; one submission).

Conditions:
Encephalopathy, acute, infection-induced (herpes-specific), susceptibility to, 1. Also called: Herpes simplex encephalitis, susceptibility to, 1. Identifiers: Orphanet 1930, MedGen C2750180, MONDO:0024563, OMIM 610551.

Submission:

Labcorp Genetics (formerly Invitae), Labcorp
Classification: Uncertain significance for Encephalopathy, acute, infection-induced (herpes-specific), susceptibility to, 1. Last evaluated: 2024-08-14. Review status: criteria provided, single submitter. Criteria: Invitae Variant Classification Sherloc (09022015). Collection method: clinical testing. Allele origin: germline.
Comment: This variant, c.568_570dup, results in the insertion of 1 amino acid(s) of the TLR3 protein (p.Glu190dup), but otherwise preserves the integrity of the reading frame. This variant is not present in population databases (gnomAD no frequency). This variant has not been reported in the literature in individuals affected with TLR3-related conditions. In summary, the available evidence is currently insufficient to determine the role of this variant in disease. Therefore, it has been classified as a Variant of Uncertain Significance.

NM_003265.3(TLR3):c.565GAA[3] (p.Glu190_Leu191insGlu)

Gene: TLR3 (toll like receptor 3; plus strand). Cytogenetic location: 4q35.1.
Variant type: Microsatellite.
Coding change: c.565GAA[3] on transcript NM_003265.3 (MANE Select); three copies in a row of the 3-base unit GAA starting at c.565; the reference has two copies in a row; one copy, 3 bases duplicated.
Protein change: p.Glu190_Leu191insGlu.
Genome position (GRCh38, 1-based): chr4:186,078,966-186,078,968, GAA duplicated; duplicating any 3 consecutive bases within chr4:186,078,963-186,078,968 gives the same sequence; the position shown is the placement nearest the transcript's 3' end. VCF-style (leftmost placement, unchanged base first): chr4-186078962-T-TGAA. GRCh37 (hg19) VCF-style: chr4-187000116-T-TGAA.
Identifiers: ClinVar variation 3662468 (VCV003662468.2).